The following is an entry in ClinVar:

NM_001363118.2(SLC52A2):c.989G>T (p.Gly330Val)

Gene: SLC52A2 (solute carrier family 52 member 2; plus strand). Cytogenetic location: 8q24.3.
Variant type: single nucleotide variant.
Coding change: c.989G>T on transcript NM_001363118.2 (MANE Select); coding-DNA position 989, G replaced by T.
Protein change: p.Gly330Val; replaces glycine 330 with valine.
Molecular consequence: missense variant. On other transcripts: non-coding transcript variant (1).
Genome position (GRCh38, 1-based): chr8:144,360,481, G>T. VCF-style: chr8-144360481-G-T. GRCh37 (hg19) VCF-style: chr8-145584141-G-T.
Other names: c.989G>T, p.Gly330Val (NM_001253815.2, NM_001253816.2, NM_001363120.2 and 2 more transcripts); c.497G>T, p.Gly166Val (NM_001363122.2); short protein forms G166V, G330V.
Identifiers: ClinVar variation 858613 (VCV000858613.7), dbSNP rs782177542, ClinGen allele CA372628647.

ClinVar aggregate classification (germline): Uncertain significance (1 of 4 stars; one submission).

Conditions:
Brown-Vialetto-van Laere syndrome 2. Also called: SPINOCEREBELLAR ATAXIA WITH BLINDNESS AND DEAFNESS 2; Riboflavin transporter deficiency type 2. Identifiers: Orphanet 572543, Orphanet 97229, MedGen C3553538, MONDO:0013867, OMIM 614707.

gnomAD v4.1: 1 of 1,600,452 alleles (0.000062%); highest among the groups gnomAD compares: East Asian, 0.0022%; no homozygotes.

Submission:

Labcorp Genetics (formerly Invitae), Labcorp
Classification: Uncertain significance for Brown-Vialetto-van Laere syndrome 2. Last evaluated: 2025-04-07. Review status: criteria provided, single submitter. Criteria: Invitae Variant Classification Sherloc (09022015). Collection method: clinical testing. Allele origin: germline.
Comment: This sequence change replaces glycine, which is neutral and non-polar, with valine, which is neutral and non-polar, at codon 330 of the SLC52A2 protein (p.Gly330Val). This variant is not present in population databases (gnomAD no frequency). This variant has not been reported in the literature in individuals affected with SLC52A2-related conditions. ClinVar contains an entry for this variant (Variation ID: 858613). Invitae Evidence Modeling of protein sequence and biophysical properties (such as structural, functional, and spatial information, amino acid conservation, physicochemical variation, residue mobility, and thermodynamic stability) indicates that this missense variant is not expected to disrupt SLC52A2 protein function with a negative predictive value of 95%. In summary, the available evidence is currently insufficient to determine the role of this variant in disease. Therefore, it has been classified as a Variant of Uncertain Significance.